The following is an entry in ClinVar:

ClinVar aggregate classification (germline): Uncertain significance (1 of 4 stars; one submission).

Conditions:
BAP1-related tumor predisposition syndrome (TPDS1). Also called: Tumor susceptibility linked to germline BAP1 mutations; COMMON Syndrome; TUMOR PREDISPOSITION SYNDROME 1; BAP1 tumor predisposition syndrome. Identifiers: Orphanet 289539, MedGen C3280492, MONDO:0013692, OMIM 614327.

Submission:

Labcorp Genetics (formerly Invitae), Labcorp
Classification: Uncertain significance for BAP1-related tumor predisposition syndrome. Last evaluated: 2023-04-24. Review status: criteria provided, single submitter. Criteria: Invitae Variant Classification Sherloc (09022015). Collection method: clinical testing. Allele origin: germline.
Comment: Advanced modeling of protein sequence and biophysical properties (such as structural, functional, and spatial information, amino acid conservation, physicochemical variation, residue mobility, and thermodynamic stability) performed at Invitae indicates that this missense variant is expected to disrupt BAP1 protein function. In summary, the available evidence is currently insufficient to determine the role of this variant in disease. Therefore, it has been classified as a Variant of Uncertain Significance. This variant has not been reported in the literature in individuals affected with BAP1-related conditions. This variant is not present in population databases (gnomAD no frequency). This sequence change replaces arginine, which is basic and polar, with glycine, which is neutral and non-polar, at codon 227 of the BAP1 protein (p.Arg227Gly).

NM_004656.4(BAP1):c.679C>G (p.Arg227Gly)

Gene: BAP1 (BRCA1 associated deubiquitinase 1; minus strand). Cytogenetic location: 3p21.1.
Variant type: single nucleotide variant.
Coding change: c.679C>G on transcript NM_004656.4 (MANE Select); coding-DNA position 679, C replaced by G.
Protein change: p.Arg227Gly; replaces arginine 227 with glycine.
Molecular consequence: missense variant. On other transcripts: intron variant (1).
Genome position (GRCh38, 1-based): chr3:52,406,357, G>C on the plus strand (C>G on the coding strand, the complement: BAP1 is on the minus strand). VCF-style: chr3-52406357-G-C. GRCh37 (hg19) VCF-style: chr3-52440373-G-C.
Other names: c.660-35C>G (NM_001410772.1); short protein forms R227G.
Identifiers: ClinVar variation 2901451 (VCV002901451.3), dbSNP rs1705157962, ClinGen allele CA353107509.